The following is an entry in ClinVar:

NM_003801.4(GPAA1):c.202G>T (p.Asp68Tyr)

Gene: GPAA1 (glycosylphosphatidylinositol anchor attachment 1; plus strand). Cytogenetic location: 8q24.3.
Variant type: single nucleotide variant.
Coding change: c.202G>T on transcript NM_003801.4 (MANE Select); coding-DNA position 202, G replaced by T.
Protein change: p.Asp68Tyr; replaces aspartic acid 68 with tyrosine.
Molecular consequence: missense variant.
Genome position (GRCh38, 1-based): chr8:144,083,251, G>T. VCF-style: chr8-144083251-G-T. GRCh37 (hg19) VCF-style: chr8-145138154-G-T.
Other names: short protein forms D68Y.
Identifiers: ClinVar variation 2016646 (VCV002016646.4), dbSNP rs2537314031, ClinGen allele CA372597629.
Genomic context (GRCh38, chr8:144,083,251, plus strand): 5'-ACTTACATGTCGGAGAACGCCATGGGCTCCACCATGGTGGAGGAGCAGTTTGCGGGCGGA[G>T]ACCGTGCCCGGGCTTTTGCCCGGGACTTCGCCGCCCACCGCAAGAAGTCGGGGTGAGCGG-3'
Protein context (NP_003792.1, residues 58-78): TMVEEQFAGG[Asp68Tyr]RARAFARDFA

ClinVar aggregate classification (germline): Uncertain significance (1 of 4 stars; one submission).

Submission:

Labcorp Genetics (formerly Invitae), Labcorp
Classification: Uncertain significance. Last evaluated: 2022-07-13. Review status: criteria provided, single submitter. Criteria: Invitae Variant Classification Sherloc (09022015). Collection method: clinical testing. Allele origin: germline.
Comment: This sequence change replaces aspartic acid, which is acidic and polar, with tyrosine, which is neutral and polar, at codon 68 of the GPAA1 protein (p.Asp68Tyr). This variant is not present in population databases (gnomAD no frequency). This variant has not been reported in the literature in individuals affected with GPAA1-related conditions. Algorithms developed to predict the effect of missense changes on protein structure and function are either unavailable or do not agree on the potential impact of this missense change (SIFT: "Deleterious"; PolyPhen-2: "Benign"; Align-GVGD: "Class C0"). In summary, the available evidence is currently insufficient to determine the role of this variant in disease. Therefore, it has been classified as a Variant of Uncertain Significance.